The following is an entry in ClinVar:

NM_001276270.2(MBD4):c.751A>G (p.Arg251Gly)

Gene: MBD4 (methyl-CpG binding domain 4, DNA glycosylase; minus strand). Cytogenetic location: 3q21.3.
Variant type: single nucleotide variant.
Coding change: c.751A>G on transcript NM_001276270.2 (MANE Select); coding-DNA position 751, A replaced by G.
Protein change: p.Arg251Gly; replaces arginine 251 with glycine.
Molecular consequence: missense variant. On other transcripts: intron variant (1).
Genome position (GRCh38, 1-based): chr3:129,436,893, T>C on the plus strand (A>G on the coding strand, the complement: MBD4 is on the minus strand). VCF-style: chr3-129436893-T-C. GRCh37 (hg19) VCF-style: chr3-129155736-T-C.
Other names: c.751A>G, p.Arg251Gly (NM_001276271.2, NM_001276272.2, NM_003925.3); c.247+915A>G (NM_001276273.2); short protein forms R251G.
Identifiers: ClinVar variation 3870884 (VCV003870884.1).
Genomic context (GRCh38, chr3:129,436,893, plus strand): 5'-CTTTATTACACACAGATTCTCTTTTGCTATCACTTTGAACAAAACCTGAACAGCTCTTCC[T>C]ACATCCTTTTTTAGTTTTCTTAATTGGGATTCCTTTCAAAATAGTCACCTTTCCTTTGGG-3'
Protein context (NP_001263199.1, residues 241-261): IPIKKTKKGC[Arg251Gly]KSCSGFVQSD

ClinVar aggregate classification (germline): Uncertain significance (1 of 4 stars; one submission).

Conditions:
Inborn genetic diseases. Identifiers: MedGen C0950123, MeSH D030342.

Submission:

Ambry Genetics
Classification: Uncertain significance for Inborn genetic diseases. Last evaluated: 2025-01-02. Review status: criteria provided, single submitter. Criteria: Ambry Variant Classification Scheme 2023. Collection method: clinical testing. Allele origin: germline.
Comment: The p.R251G variant (also known as c.751A>G), located in coding exon 3 of the MBD4 gene, results from an A to G substitution at nucleotide position 751. The arginine at codon 251 is replaced by glycine, an amino acid with dissimilar properties. This amino acid position is conserved. In addition, this alteration is predicted to be tolerated by in silico analysis. Based on the available evidence, the clinical significance of this variant remains unclear.